The following is an entry in ClinVar:

ClinVar aggregate classification (germline): Conflicting classifications of pathogenicity. Review status: criteria provided, conflicting classifications (1 of 4 stars). 18 submissions from 18 submitters: Uncertain significance (12); Likely benign (4). 2 of the submissions do not count toward it. Last evaluated 2026-10-01.

Conditions:
ATM-related disorder. Also called: ATM-related disorders; ATM-related condition.
Ataxia-telangiectasia syndrome (AT). Also called: Ataxia telangiectasia (A-T); LOUIS-BAR SYNDROME; Ataxia-telangiectasia; Cerebello-oculocutaneous telangiectasia; Immunodeficiency with ataxia telangiectasia; Ataxia-telangiectasia, complementation group D. Identifiers: Orphanet 100, MedGen C0004135, MONDO:0008840, OMIM 208900.
Malignant tumor of breast. Also called: Malignant breast neoplasm; Cancer breast. Identifiers: MedGen C0006142, MONDO:0007254. Disease mechanism: loss of function.
Hereditary cancer-predisposing syndrome. Also called: Hereditary neoplastic syndrome; Tumor predisposition; Neoplastic Syndromes, Hereditary; Hereditary Cancer Syndrome. Identifiers: Orphanet 140162, MedGen C0027672, MeSH D009386, MONDO:0015356.
Familial cancer of breast. Also called: hereditary breast carcinoma; Hereditary breast cancer; BREAST CANCER, FAMILIAL. Identifiers: Orphanet 227535, MedGen C0346153, MONDO:0016419, OMIM 114480. Disease mechanism: loss of function.

Allele frequency attached by ClinVar (database versions not stated): ExAC 0.00002; gnomAD exomes 0.00002 and 0.00004; TOPMed 0.00003; gnomAD 0.00005 and 0.00006.
gnomAD v4.1: 59 of 1,613,678 alleles (0.0037%); highest among the groups gnomAD compares: Non-Finnish European, 0.0047%; no homozygotes.

Submissions 1 to 13 of 18:

St. Jude Molecular Pathology, St. Jude Children's Research Hospital
Classification: Uncertain significance for Ataxia-telangiectasia syndrome. Last evaluated: 2026-10-01. Review status: criteria provided, single submitter. Criteria: St. Jude Assertion Criteria 2020. Collection method: clinical testing. Allele origin: germline.
Comment: The ATM c.115A>G p.(Thr39Ala) missense change has a maximum subpopulation frequency of 0.007% in gnomAD v2.1.1. The in silico tool REVEL predicts a benign effect on protein function, but to our knowledge this prediction has not been confirmed by functional studies. To our knowledge, this variant has not been reported in individual s with ataxia telangiectasia. In summary, the evidence currently available is insufficient to determine the clinical significance of this variant. It has therefore been classified as of uncertain significance.

Ambry Genetics
Classification: Likely benign for Hereditary cancer-predisposing syndrome. Last evaluated: 2026-05-20. Review status: criteria provided, single submitter. Criteria: Ambry Variant Classification Scheme 2023. Collection method: clinical testing. Allele origin: germline.

Labcorp Genetics (formerly Invitae), Labcorp
Classification: Uncertain significance for Ataxia-telangiectasia syndrome. Last evaluated: 2026-01-26. Review status: criteria provided, single submitter. Criteria: Invitae Variant Classification Sherloc (09022015). Collection method: clinical testing. Allele origin: germline.
Comment: This sequence change replaces threonine, which is neutral and polar, with alanine, which is neutral and non-polar, at codon 39 of the ATM protein (p.Thr39Ala). This variant is present in population databases (rs779297339, gnomAD 0.007%). This missense change has been observed in individual(s) with dystonia, glioma, and/or prostate cancer (PMID: 26689913, 31920950, 35467778). ClinVar contains an entry for this variant (Variation ID: 184988). Invitae Evidence Modeling of protein sequence and biophysical properties (such as structural, functional, and spatial information, amino acid conservation, physicochemical variation, residue mobility, and thermodynamic stability) indicates that this missense variant is not expected to disrupt ATM protein function with a negative predictive value of 95%. In summary, the available evidence is currently insufficient to determine the role of this variant in disease. Therefore, it has been classified as a Variant of Uncertain Significance.

PreventionGenetics, part of Exact Sciences
Classification: Uncertain significance for ATM-related condition. Last evaluated: 2026-01-07. Review status: criteria provided, single submitter. Criteria: ACMG Guidelines, 2015. Collection method: clinical testing. Allele origin: germline.
Comment: The ATM c.115A>G variant is predicted to result in the amino acid substitution p.Thr39Ala. This variant has been reported in multiple individuals with various disorders including low-grade glioma (Lu et al. 2015. PubMed ID: 26689913), colorectal cancer (Hirsch et al. 2018. PubMed ID: 29967250), dystonia (Pogoda et al. 2019. PubMed ID: 31920950), ovarian cancer (Naskou et al. 2020. PubMed ID: 31704732), and prostate cancer (Brady et al. 2022. PubMed ID: 35467778); however, no functional studies have been performed to evaluate whether this variant is potentially associated with any of the observed phenotypes. Furthermore, there are at least two instances of this variant being detected in ostensibly healthy control cohorts (Tiao et al. 2017.PubMed ID: 28652578; Akcay et al. 2021. PubMed ID: 32658311). This variant is reported in 0.0070% of alleles in individuals of European (Non-Finnish) descent in gnomAD and has conflicting interpretations regarding its pathogenicity in ClinVar, ranging from likely benign to uncertain (Variation ID: 184988). Taken together, at this time, the clinical significance of this variant is uncertain due to the absence of conclusive functional and genetic evidence.

Color Diagnostics, LLC DBA Color Health
Classification: Likely benign for Hereditary cancer-predisposing syndrome. Last evaluated: 2025-12-16. Review status: criteria provided, single submitter. Criteria: ACMG Guidelines, 2015. Collection method: clinical testing. Allele origin: germline.

Mayo Clinic Laboratories, Mayo Clinic
Classification: Uncertain significance. Last evaluated: 2025-12-16. Review status: criteria provided, single submitter. Criteria: ACMG Guidelines, 2015. Collection method: clinical testing. Allele origin: germline. Observed: 1 variant allele.
Comment: BP4_moderate, PM2_supporting

Athena Diagnostics
Classification: Uncertain significance. Last evaluated: 2025-08-06. Review status: criteria provided, single submitter. Criteria: Athena Diagnostics Criteria. Collection method: clinical testing. Allele origin: unknown.
Comment: Available data are insufficient to determine the clinical significance of the variant at this time. The frequency of this variant in the general population is uninformative in assessment of its pathogenicity. Polyphen and MutationTaster predict this amino acid change may be benign.

Myriad Genetics, Inc.
Classification: Likely benign for Familial cancer of breast. Last evaluated: 2025-06-04. Review status: criteria provided, single submitter. Criteria: Myriad Autosomal Dominant, Autosomal Recessive and X-Linked Classification Criteria (2023). Collection method: clinical testing. Allele origin: unknown.
Comment: This variant is considered likely benign. This variant is strongly associated with less severe personal and family histories of cancer, typical for individuals without pathogenic variants in this gene [PMID: 25085752].

Center for Genomic Medicine, Rigshospitalet, Copenhagen University Hospital
Classification: Uncertain significance. Last evaluated: 2025-03-04. Review status: criteria provided, single submitter. Criteria: ACMG Guidelines, 2015. Collection method: clinical testing. Allele origin: germline.

ARUP Laboratories, Molecular Genetics and Genomics, ARUP Laboratories
Classification: Uncertain significance. Last evaluated: 2025-01-23. Review status: criteria provided, single submitter. Criteria: ARUP Molecular Germline Variant Investigation Process 2024. Collection method: clinical testing. Allele origin: germline.
Comment: The ATM c.115A>G; p.Thr39Ala variant (rs779297339), to our knowledge, is not reported in the medical literature but is reported in ClinVar (Variation ID: 184988). This variant is only observed on nine alleles in the Genome Aggregation Database (v2.1.1), indicating it is not a common polymorphism. Computational analyses are uncertain whether this variant is neutral or deleterious (REVEL: 0.155). Due to limited information, the clinical significance of this variant is uncertain at this time.

GeneDx
Classification: Uncertain significance. Last evaluated: 2024-11-05. Review status: criteria provided, single submitter. Criteria: GeneDx Variant Classification Process June 2021. Collection method: clinical testing. Allele origin: germline. Affected: yes.
Comment: Not observed at significant frequency in large population cohorts (gnomAD); In silico analysis supports that this missense variant has a deleterious effect on protein structure/function; This variant is associated with the following publications: (PMID: 26689913, 31704732, 29967250, 28652578, 32658311, 35467778, 31920950)

CeGaT Center for Human Genetics Tuebingen
Classification: Likely benign. Last evaluated: 2024-07-01. Review status: criteria provided, single submitter. Criteria: CeGaT Center For Human Genetics Tuebingen Variant Classification Criteria Version 2. Collection method: clinical testing. Allele origin: germline. Affected: yes. Observed: 3 variant alleles.
Comment: ATM: BP1, BP4

Baylor Genetics
Classification: Uncertain significance for Familial cancer of breast. Last evaluated: 2024-03-13. Review status: criteria provided, single submitter. Criteria: ACMG Guidelines, 2015. Collection method: clinical testing. Allele origin: unknown.

NM_000051.4(ATM):c.115A>G (p.Thr39Ala)

Gene: ATM (ATM serine/threonine kinase; plus strand). Cytogenetic location: 11q22.3.
Variant type: single nucleotide variant.
Coding change: c.115A>G on transcript NM_000051.4 (MANE Select); coding-DNA position 115, A replaced by G.
Protein change: p.Thr39Ala; replaces threonine 39 with alanine.
Molecular consequence: missense variant.
Genome position (GRCh38, 1-based): chr11:108,227,818, A>G. VCF-style: chr11-108227818-A-G. GRCh37 (hg19) VCF-style: chr11-108098545-A-G.
Other names: p.Thr39Ala; c.115A>G, p.Thr39Ala (NM_001351834.2, NM_001351835.2, NM_001351836.2); short protein forms T39A.
Identifiers: ClinVar variation 184988 (VCV000184988.79), dbSNP rs779297339, ClinGen allele CA190693.